The following is an entry in ClinVar:

NM_025137.4(SPG11):c.4069C>T (p.Leu1357=)

Gene: SPG11 (SPG11 vesicle trafficking associated, spatacsin; minus strand). Cytogenetic location: 15q21.1.
Variant type: single nucleotide variant.
Coding change: c.4069C>T on transcript NM_025137.4 (MANE Select); coding-DNA position 4069, C replaced by T.
Protein change: p.Leu1357=; no amino-acid change (leucine 1357 retained).
Molecular consequence: synonymous variant.
Genome position (GRCh38, 1-based): chr15:44,596,876, G>A on the plus strand (C>T on the coding strand, the complement: SPG11 is on the minus strand). VCF-style: chr15-44596876-G-A. GRCh37 (hg19) VCF-style: chr15-44889074-G-A.
Other names: c.4069C>T, p.Leu1357= (NM_001160227.2).
Identifiers: ClinVar variation 1571966 (VCV001571966.22), dbSNP rs2083057421, ClinGen allele CA490207007.

ClinVar aggregate classification (germline): Likely benign. Review status: criteria provided, multiple submitters, no conflicts (2 of 4 stars). 2 submissions from 2 submitters: Likely benign (2). Last evaluated 2024-10-01.

Conditions:
Hereditary spastic paraplegia 11. Also called: Spastic paraplegia, mental retardation and thin corpus callosum; SPASTIC PARAPLEGIA, AUTOSOMAL RECESSIVE, COMPLICATED, WITH THIN CORPUS CALLOSUM; SPASTIC PARAPLEGIA, AUTOSOMAL RECESSIVE, WITH MENTAL IMPAIRMENT AND THIN CORPUS CALLOSUM; Spastic Paraplegia 11; Nakamura Osame syndrome; Autosomal recessive hereditary spastic paraplegia, mental impairment, and thin corpus callosum. Identifiers: Orphanet 2822, MedGen C1858479, MONDO:0011445, OMIM 604360.

Allele frequency attached by ClinVar (database versions not stated): gnomAD exomes below 0.00001; gnomAD 0.00001.
gnomAD v4.1: 5 of 1,613,778 alleles (0.00031%); highest among the groups gnomAD compares: Non-Finnish European, 0.00042%; no homozygotes.

Submissions (2):

CeGaT Center for Human Genetics Tuebingen
Classification: Likely benign. Last evaluated: 2024-10-01. Review status: criteria provided, single submitter. Criteria: CeGaT Center For Human Genetics Tuebingen Variant Classification Criteria Version 2. Collection method: clinical testing. Allele origin: germline. Affected: yes. Observed: 1 variant allele.
Comment: SPG11: BP4, BP7

Labcorp Genetics (formerly Invitae), Labcorp
Classification: Likely benign for Hereditary spastic paraplegia 11. Last evaluated: 2022-08-22. Review status: criteria provided, single submitter. Criteria: Invitae Variant Classification Sherloc (09022015). Collection method: clinical testing. Allele origin: germline.